The following is an entry in ClinVar:

ClinVar aggregate classification (germline): Likely pathogenic (1 of 4 stars; one submission).

Conditions:
Autosomal recessive limb-girdle muscular dystrophy type 2J (LGMDR10). Also called: Limb-girdle muscular dystrophy, type 2J; MUSCULAR DYSTROPHY, LIMB-GIRDLE, AUTOSOMAL RECESSIVE 10. Identifiers: Orphanet 140922, MedGen C1837342, MONDO:0012127, OMIM 608807.
Dilated cardiomyopathy 1G (CMD1G). Identifiers: Orphanet 154, MedGen C1858763, MONDO:0011400, OMIM 604145.

Submission:

Labcorp Genetics (formerly Invitae), Labcorp
Classification: Likely pathogenic for Dilated cardiomyopathy 1G; Autosomal recessive limb-girdle muscular dystrophy type 2J. Last evaluated: 2025-04-23. Review status: criteria provided, single submitter. Criteria: Invitae Variant Classification Sherloc (09022015). Collection method: clinical testing. Allele origin: germline.
Comment: This sequence change creates a premature translational stop signal (p.Lys21499*) in the TTN gene. While this is not anticipated to result in nonsense mediated decay, it is expected to create a truncated TTN protein. This variant is not present in population databases (gnomAD no frequency). This premature translational stop signal has been observed in individual(s) with dilated cardiomyopathy (internal data). This variant is located in the A band of TTN (PMID: 25589632). Truncating variants in this region are significantly overrepresented in patients affected with dilated cardiomyopathy (PMID: 25589632). Truncating variants in this region have also been reported in individuals affected with autosomal recessive centronuclear myopathy (PMID: 23975875). In summary, the currently available evidence indicates that the variant is pathogenic, but additional data are needed to prove that conclusively. Therefore, this variant has been classified as Likely Pathogenic.

Literature cited by the submitters: PubMed 25589632; PubMed 23975875.

NM_001267550.2(TTN):c.64495A>T (p.Lys21499Ter)

Genes: TTN (titin; minus strand), TTN-AS1 (TTN antisense RNA 1; plus strand). Cytogenetic location: 2q31.2.
Variant type: single nucleotide variant.
Coding change: c.64495A>T on transcript NM_001267550.2 (MANE Select); coding-DNA position 64495, A replaced by T.
Protein change: p.Lys21499Ter; replaces lysine 21499 with a stop codon.
Molecular consequence: nonsense.
Genome position (GRCh38, 1-based): chr2:178,585,249, T>A on the plus strand (A>T on the coding strand, the complement: TTN is on the minus strand). VCF-style: chr2-178585249-T-A. GRCh37 (hg19) VCF-style: chr2-179449976-T-A.
Other names: c.59572A>T, p.Lys19858Ter (NM_001256850.1); c.37300A>T, p.Lys12434Ter (NM_003319.4); c.56791A>T, p.Lys18931Ter (NM_133378.4); c.37675A>T, p.Lys12559Ter (NM_133432.3); c.37876A>T, p.Lys12626Ter (NM_133437.4); short protein forms K19858*, K12434*, K12559*, K12626*, K21499*, K18931*.
Identifiers: ClinVar variation 4784819 (VCV004784819.1).